The following is an entry in ClinVar:

NM_000059.4(BRCA2):c.9738C>G (p.Ala3246=)

Gene: BRCA2 (BRCA2 DNA repair associated; plus strand). Cytogenetic location: 13q13.1.
Variant type: single nucleotide variant.
Coding change: c.9738C>G on transcript NM_000059.4 (MANE Select); coding-DNA position 9738, C replaced by G.
Protein change: p.Ala3246=; no amino-acid change (alanine 3246 retained).
Molecular consequence: synonymous variant.
Genome position (GRCh38, 1-based): chr13:32,398,251, C>G. VCF-style: chr13-32398251-C-G. GRCh37 (hg19) VCF-style: chr13-32972388-C-G.
Identifiers: ClinVar variation 415707 (VCV000415707.25), dbSNP rs80359811, ClinGen allele CA6941444.

ClinVar aggregate classification (germline): Likely benign. Review status: reviewed by expert panel (3 of 4 stars). 7 submissions from 7 submitters: Likely benign (1). 6 of the submissions do not count toward it. Last evaluated 2017-06-29.

Conditions:
Hereditary breast ovarian cancer syndrome. Also called: Hereditary breast and ovarian cancer; Breast and ovarian cancer; BRCA1- and BRCA2-Associated Hereditary Breast and Ovarian Cancer; Hereditary breast and ovarian cancer syndrome; Hereditary breast and/or ovarian cancer syndrome; Hereditary breast and ovarian cancer syndrome (HBOC). Identifiers: Orphanet 145, MedGen C0677776, MeSH D061325, MONDO:0003582. Disease mechanism: loss of function.
Hereditary cancer-predisposing syndrome. Also called: Tumor predisposition; Hereditary neoplastic syndrome; Neoplastic Syndromes, Hereditary; Hereditary Cancer Syndrome. Identifiers: Orphanet 140162, MedGen C0027672, MeSH D009386, MONDO:0015356.
Breast-ovarian cancer, familial, susceptibility to, 2 (BROVCA2). Also called: BRCA2 Hereditary Breast and Ovarian Cancer. Identifiers: Orphanet 145, MedGen C2675520, MONDO:0012933, OMIM 612555. Disease mechanism: loss of function.

Allele frequency attached by ClinVar (database versions not stated): TOPMed 0.00002.
gnomAD v4.1: 3 of 1,614,042 alleles (0.00019%); highest among the groups gnomAD compares: Admixed American, 0.005%; no homozygotes.

Submissions (7):

Evidence-based Network for the Interpretation of Germline Mutant Alleles (ENIGMA)
Classification: Likely benign for Breast-ovarian cancer, familial, susceptibility to, 2. Last evaluated: 2017-06-29. Review status: reviewed by expert panel. Criteria: ENIGMA BRCA1/2 Classification Criteria (2017-06-29). Collection method: curation. Allele origin: germline.
Comment: Synonymous substitution variant, with low bioinformatic likelihood to result in a splicing aberration (Splicing prior probability 0.02).

Women's Health and Genetics/Laboratory Corporation of America, LabCorp
Classification: Likely benign. Last evaluated: 2026-02-04. Review status: criteria provided, single submitter. Criteria: LabCorp Variant Classification Summary - May 2015. Collection method: clinical testing. Allele origin: germline. Not counted in ClinVar's aggregate classification.

Labcorp Genetics (formerly Invitae), Labcorp
Classification: Likely benign for Hereditary breast ovarian cancer syndrome. Last evaluated: 2025-10-13. Review status: criteria provided, single submitter. Criteria: Invitae Variant Classification Sherloc (09022015). Collection method: clinical testing. Allele origin: germline. Not counted in ClinVar's aggregate classification.

Quest Diagnostics Nichols Institute San Juan Capistrano
Classification: Likely benign. Last evaluated: 2025-04-07. Review status: criteria provided, single submitter. Criteria: Quest Diagnostics criteria. Collection method: clinical testing. Allele origin: unknown. Not counted in ClinVar's aggregate classification.

All of Us Research Program, National Institutes of Health
Classification: Likely benign for Breast-ovarian cancer, familial, susceptibility to, 2. Last evaluated: 2023-10-27. Review status: criteria provided, single submitter. Criteria: ACMG Guidelines, 2015. Collection method: clinical testing. Allele origin: germline. Inheritance: Autosomal dominant inheritance. Observed: 3 variant alleles, 3 heterozygotes. Not counted in ClinVar's aggregate classification.
Comment: This study involves interpretation of variants in research participants for the purpose of population health screening. Participant phenotype was not available at the time of variant classification. Additional details can be found in publication PMID: 35346344, PMCID: PMC8962531

Color Diagnostics, LLC DBA Color Health
Classification: Likely benign for Hereditary cancer-predisposing syndrome. Last evaluated: 2019-08-21. Review status: criteria provided, single submitter. Criteria: ACMG Guidelines, 2015. Collection method: clinical testing. Allele origin: germline. Not counted in ClinVar's aggregate classification.

Ambry Genetics
Classification: Likely benign for Hereditary cancer-predisposing syndrome. Last evaluated: 2019-04-04. Review status: criteria provided, single submitter. Criteria: Ambry Variant Classification Scheme 2023. Collection method: clinical testing. Allele origin: germline. Not counted in ClinVar's aggregate classification.

Literature cited by the submitters: PubMed 15889636 (cited by Quest Diagnostics Nichols Institute San Juan Capistrano); PubMed 21120943 (cited by Quest Diagnostics Nichols Institute San Juan Capistrano).